The following is an entry in ClinVar:

ClinVar aggregate classification (germline): Benign. Review status: criteria provided, multiple submitters, no conflicts (2 of 4 stars). 7 submissions from 4 submitters: Benign (7). Last evaluated 2024-07-15.

Conditions:
Seizures, benign familial infantile, 5 (BFIS5). Also called: CONVULSIONS, BENIGN FAMILIAL INFANTILE, 5. Identifiers: Orphanet 306, MedGen C4310728, MONDO:0014903, OMIM 617080.
Cognitive impairment with or without cerebellar ataxia (CIAT). Identifiers: MedGen C3280415, MONDO:0013680, OMIM 614306.
Myoclonus, familial, 2. Identifiers: MedGen C5193056, MONDO:0100092, OMIM 618364.
Developmental and epileptic encephalopathy, 13 (DEE13). Also called: Early infantile epileptic encephalopathy 13; SCN8A-Related Epilepsy; Developmental and Epileptic Encephalopathy (SCN8A-DEE). Identifiers: Orphanet 442835, MedGen C3281191, MONDO:0013801, OMIM 614558.

Allele frequency attached by ClinVar (database versions not stated): ESP Exome Variant Server 0.84530; gnomAD 0.85713 and 0.86075; ExAC 0.86840; 1000 Genomes Project 30x 0.83745; 1000 Genomes Project 0.83966; TOPMed 0.86181; gnomAD exomes 0.86986 and 0.86357.
gnomAD v4.1: 1,284,949 of 1,488,824 alleles (86%); highest among the groups gnomAD compares: East Asian, 98%; 556,360 homozygotes.

Submissions (7):

Unidad de Genómica Garrahan, Hospital de Pediatría Garrahan
Classification: Benign. Last evaluated: 2024-07-15. Review status: criteria provided, single submitter. Criteria: ACMG Guidelines, 2015. Collection method: clinical testing. Allele origin: germline. Affected: no. Observed: 91 variant alleles.
Comment: This variant is classified as Benign based on local population frequency. This variant was detected in 98% of patients studied in a panel designed for Epileptic and Developmental Encephalopathy and Progressive Myoclonus Epilepsy. Number of patients: 91. Only high quality variants are reported.

Genome-Nilou Lab
Classification: Benign for Myoclonus, familial, 2. Last evaluated: 2021-07-15. Review status: criteria provided, single submitter. Criteria: ACMG Guidelines, 2015. Collection method: clinical testing. Allele origin: germline. Affected: no.

Genome-Nilou Lab
Classification: Benign for Cognitive impairment with or without cerebellar ataxia. Last evaluated: 2021-07-15. Review status: criteria provided, single submitter. Criteria: ACMG Guidelines, 2015. Collection method: clinical testing. Allele origin: germline. Affected: no.

Genome-Nilou Lab
Classification: Benign for Developmental and epileptic encephalopathy, 13. Last evaluated: 2021-07-15. Review status: criteria provided, single submitter. Criteria: ACMG Guidelines, 2015. Collection method: clinical testing. Allele origin: germline. Affected: no.

Genome-Nilou Lab
Classification: Benign for Seizures, benign familial infantile, 5. Last evaluated: 2021-07-15. Review status: criteria provided, single submitter. Criteria: ACMG Guidelines, 2015. Collection method: clinical testing. Allele origin: germline. Affected: no.

GeneDx
Classification: Benign. Last evaluated: 2018-06-25. Review status: criteria provided, single submitter. Criteria: GeneDx Variant Classification Process June 2021. Collection method: clinical testing. Allele origin: germline. Affected: yes.

Breakthrough Genomics
Classification: Benign. Review status: criteria provided, single submitter. Criteria: ACMG Guidelines, 2015. Collection method: not provided. Allele origin: germline. Inheritance: Autosomal dominant inheritance. Affected: yes.

NM_001330260.2(SCN8A):c.4796-38C>A

Gene: SCN8A (sodium voltage-gated channel alpha subunit 8; plus strand). Cytogenetic location: 12q13.13.
Variant type: single nucleotide variant.
Coding change: c.4796-38C>A on transcript NM_001330260.2 (MANE Select); 38 bases into the intron before coding-DNA position 4796, C replaced by A.
Molecular consequence: intron variant.
Genome position (GRCh38, 1-based): chr12:51,806,244, C>A. VCF-style: chr12-51806244-C-A. GRCh37 (hg19) VCF-style: chr12-52200028-C-A.
Other names: c.4796-38C>A (NM_014191.4); c.4673-38C>A (NM_001177984.3, NM_001369788.1).
Identifiers: ClinVar variation 1221685 (VCV001221685.8), dbSNP rs303828, ClinGen allele CA6571866.